The following is an entry in ClinVar:

ClinVar aggregate classification (germline): Uncertain significance. Review status: criteria provided, multiple submitters, no conflicts (2 of 4 stars). 3 submissions from 3 submitters: Uncertain significance (3). Last evaluated 2025-08-30.

Conditions:
Neurodevelopmental disorder with dysmorphic facies and distal limb anomalies. Identifiers: Orphanet 686482, MedGen C4540327, MONDO:0060596, OMIM 617755.
Inborn genetic diseases. Identifiers: MedGen C0950123, MeSH D030342.

Allele frequency attached by ClinVar (database versions not stated): 1000 Genomes Project 30x 0.00047; ExAC 0.00003; 1000 Genomes Project 0.00040; ESP Exome Variant Server 0.00008; TOPMed 0.00010; gnomAD 0.00011; gnomAD exomes 0.00001 and 0.00002.
gnomAD v4.1: 31 of 1,613,904 alleles (0.0019%); highest among the groups gnomAD compares: African/African-American, 0.027%; no homozygotes.

Submissions (3):

Ambry Genetics
Classification: Uncertain significance for Inborn genetic diseases. Last evaluated: 2025-08-30. Review status: criteria provided, single submitter. Criteria: Ambry Variant Classification Scheme 2023. Collection method: clinical testing. Allele origin: germline.

Labcorp Genetics (formerly Invitae), Labcorp
Classification: Uncertain significance. Last evaluated: 2025-03-03. Review status: criteria provided, single submitter. Criteria: Invitae Variant Classification Sherloc (09022015). Collection method: clinical testing. Allele origin: germline.
Comment: This sequence change replaces aspartic acid, which is acidic and polar, with asparagine, which is neutral and polar, at codon 1146 of the BPTF protein (p.Asp1146Asn). This variant is present in population databases (rs201720584, gnomAD 0.02%). This variant has not been reported in the literature in individuals affected with BPTF-related conditions. ClinVar contains an entry for this variant (Variation ID: 1031424). An algorithm developed to predict the effect of missense changes on protein structure and function (PolyPhen-2) suggests that this variant is likely to be disruptive. In summary, the available evidence is currently insufficient to determine the role of this variant in disease. Therefore, it has been classified as a Variant of Uncertain Significance.

Baylor Genetics
Classification: Uncertain significance for Neurodevelopmental disorder with dysmorphic facies and distal limb anomalies. Last evaluated: 2018-09-19. Review status: criteria provided, single submitter. Criteria: ACMG Guidelines, 2015. Collection method: clinical testing. Allele origin: unknown. Affected: yes.
Comment: This variant was determined to be of uncertain significance according to ACMG Guidelines, 2015 [PMID:25741868].

NM_182641.4(BPTF):c.3058G>A (p.Asp1020Asn)

Gene: BPTF (bromodomain PHD finger transcription factor; plus strand). Cytogenetic location: 17q24.2.
Variant type: single nucleotide variant.
Coding change: c.3058G>A on transcript NM_182641.4 (MANE Select); coding-DNA position 3058, G replaced by A.
Protein change: p.Asp1020Asn; replaces aspartic acid 1020 with asparagine.
Molecular consequence: missense variant.
Genome position (GRCh38, 1-based): chr17:67,910,942, G>A. VCF-style: chr17-67910942-G-A. GRCh37 (hg19) VCF-style: chr17-65907058-G-A.
Other names: c.3436G>A, p.Asp1146Asn (NM_004459.7); c.3058G>A (NM_182641.3); short protein forms D1020N, D1146N.
Identifiers: ClinVar variation 1031424 (VCV001031424.5), dbSNP rs201720584, ClinGen allele CA8725587.